The following is an entry in ClinVar:

NM_000254.3(MTR):c.3377T>C (p.Val1126Ala)

Gene: MTR (5-methyltetrahydrofolate-homocysteine methyltransferase; plus strand). Cytogenetic location: 1q43.
Variant type: single nucleotide variant.
Coding change: c.3377T>C on transcript NM_000254.3 (MANE Select); coding-DNA position 3377, T replaced by C.
Protein change: p.Val1126Ala; replaces valine 1126 with alanine.
Molecular consequence: missense variant.
Genome position (GRCh38, 1-based): chr1:236,894,529, T>C. VCF-style: chr1-236894529-T-C. GRCh37 (hg19) VCF-style: chr1-237057829-T-C.
Other names: c.3224T>C, p.Val1075Ala (NM_001291939.1); c.2156T>C, p.Val719Ala (NM_001291940.2); c.3188T>C, p.Val1063Ala (NM_001410942.1); short protein forms V1075A, V1063A, V1126A, V719A.
Identifiers: ClinVar variation 4763556 (VCV004763556.1).

ClinVar aggregate classification (germline): Uncertain significance (1 of 4 stars; one submission).

Conditions:
Methylcobalamin deficiency type cblG (HMAG). Also called: HOMOCYSTINURIA-MEGALOBLASTIC ANEMIA DUE TO DEFECT IN COBALAMIN METABOLISM, cblG COMPLEMENTATION TYPE; Functional methionine synthase deficiency type cblG; HOMOCYSTINURIA-MEGALOBLASTIC ANEMIA, cblG TYPE; HOMOCYSTINURIA-MEGALOBLASTIC ANEMIA, cblG COMPLEMENTATION TYPE. Identifiers: Orphanet 2170, Orphanet 622, MedGen C1855128, MONDO:0009609, OMIM 250940.

Submission:

Labcorp Genetics (formerly Invitae), Labcorp
Classification: Uncertain significance for Methylcobalamin deficiency type cblG. Last evaluated: 2025-06-30. Review status: criteria provided, single submitter. Criteria: Invitae Variant Classification Sherloc (09022015). Collection method: clinical testing. Allele origin: germline.
Comment: This sequence change replaces valine, which is neutral and non-polar, with alanine, which is neutral and non-polar, at codon 1126 of the MTR protein (p.Val1126Ala). This variant is not present in population databases (gnomAD no frequency). This variant has not been reported in the literature in individuals affected with MTR-related conditions. Invitae Evidence Modeling of protein sequence and biophysical properties (such as structural, functional, and spatial information, amino acid conservation, physicochemical variation, residue mobility, and thermodynamic stability) indicates that this missense variant is not expected to disrupt MTR protein function with a negative predictive value of 95%. In summary, the available evidence is currently insufficient to determine the role of this variant in disease. Therefore, it has been classified as a Variant of Uncertain Significance.